The following is an entry in ClinVar:

NM_003482.4(KMT2D):c.15422C>G (p.Pro5141Arg)

Gene: KMT2D (lysine methyltransferase 2D; minus strand). Cytogenetic location: 12q13.12.
Variant type: single nucleotide variant.
Coding change: c.15422C>G on transcript NM_003482.4 (MANE Select); coding-DNA position 15422, C replaced by G.
Protein change: p.Pro5141Arg; replaces proline 5141 with arginine.
Molecular consequence: missense variant.
Genome position (GRCh38, 1-based): chr12:49,026,544, G>C on the plus strand (C>G on the coding strand, the complement: KMT2D is on the minus strand). VCF-style: chr12-49026544-G-C. GRCh37 (hg19) VCF-style: chr12-49420327-G-C.
Other names: short protein forms P5141R.
Identifiers: ClinVar variation 4823583 (VCV004823583.4).

ClinVar aggregate classification (germline): Uncertain significance (1 of 4 stars; one submission).

Submission:

CeGaT Center for Human Genetics Tuebingen
Classification: Uncertain significance. Last evaluated: 2026-03-01. Review status: criteria provided, single submitter. Criteria: CeGaT Center For Human Genetics Tuebingen Variant Classification Criteria Version 2. Collection method: clinical testing. Allele origin: germline. Affected: yes. Observed: 1 variant allele.
Comment: KMT2D: PM2